The following is an entry in ClinVar:

NM_000392.5(ABCC2):c.1866G>A (p.Leu622=)

Gene: ABCC2 (ATP binding cassette subfamily C member 2; plus strand). Cytogenetic location: 10q24.2.
Variant type: single nucleotide variant.
Coding change: c.1866G>A on transcript NM_000392.5 (MANE Select); coding-DNA position 1866, G replaced by A.
Protein change: p.Leu622=; no amino-acid change (leucine 622 retained).
Molecular consequence: synonymous variant.
Genome position (GRCh38, 1-based): chr10:99,810,184, G>A. VCF-style: chr10-99810184-G-A. GRCh37 (hg19) VCF-style: chr10-101569941-G-A.
Identifiers: ClinVar variation 2848620 (VCV002848620.3), dbSNP rs2038185039, ClinGen allele CA471128713.
Genomic context (GRCh38, chr10:99,810,184, plus strand): 5'-CCTTCTCTAGGCCAGTGTTTCCACAGAGCGGCTAGAGAAGTACTTGGGAGGGGATGACTT[G>A]GACACATCTGCCATTCGACATGACTGCAATTTTGGTAAATAAATTTGGAAGTTGCTTCCC-3'
Protein context (NP_000383.2, residues 612-632): RLEKYLGGDD[Leu622=]DTSAIRHDCN

ClinVar aggregate classification (germline): Uncertain significance (1 of 4 stars; one submission).

Allele frequency attached by ClinVar (database versions not stated): TOPMed below 0.00001; gnomAD 0.00001.
gnomAD v4.1: 1 of 1,613,408 alleles (0.000062%); highest among the groups gnomAD compares: Non-Finnish European, 0.000085%; no homozygotes.

Submission:

Labcorp Genetics (formerly Invitae), Labcorp
Classification: Uncertain significance. Last evaluated: 2023-03-22. Review status: criteria provided, single submitter. Criteria: Invitae Variant Classification Sherloc (09022015). Collection method: clinical testing. Allele origin: germline.
Comment: This sequence change affects codon 622 of the ABCC2 mRNA. It is a 'silent' change, meaning that it does not change the encoded amino acid sequence of the ABCC2 protein. This variant is not present in population databases (gnomAD no frequency). This variant has not been reported in the literature in individuals affected with ABCC2-related conditions. Algorithms developed to predict the effect of sequence changes on RNA splicing suggest that this variant may disrupt the consensus splice site. In summary, the available evidence is currently insufficient to determine the role of this variant in disease. Therefore, it has been classified as a Variant of Uncertain Significance.